The following is an entry in ClinVar:

ClinVar aggregate classification (germline): Pathogenic/Likely pathogenic. Review status: criteria provided, multiple submitters, no conflicts (2 of 4 stars). 3 submissions from 3 submitters: Pathogenic (2); Likely pathogenic (1). Last evaluated 2023-03-27.

Conditions:
Global developmental delay (DD). Also called: Cognitive delay. Identifiers: MedGen C0557874, HP:0001263. Disease mechanism: loss of function.
Arrhythmogenic right ventricular dysplasia 8 (ARVD8). Also called: Arrhythmogenic Right Ventricular Dysplasia/Cardiomyopathy 8; ARRHYTHMOGENIC RIGHT VENTRICULAR DYSPLASIA, FAMILIAL, 8; ARRHYTHMOGENIC RIGHT VENTRICULAR CARDIOMYOPATHY 8. Identifiers: MedGen C1843896, MONDO:0011831, OMIM 607450.

Submissions (3):

GeneDx
Classification: Likely pathogenic. Last evaluated: 2023-03-27. Review status: criteria provided, single submitter. Criteria: GeneDx Variant Classification Process June 2021. Collection method: clinical testing. Allele origin: germline. Affected: yes.
Comment: Has not been previously published as pathogenic or benign to our knowledge; Not observed in large population cohorts (gnomAD); Nonsense variant predicted to result in protein truncation or nonsense mediated decay in a gene for which loss of function is a known mechanism of disease

Departamento de Patología, Instituto de Genética, Universidad Nacional de Colombia
Classification: Pathogenic for Arrhythmogenic right ventricular dysplasia 8. Last evaluated: 2021-07-16. Review status: criteria provided, single submitter. Criteria: ACMG Guidelines, 2015. Collection method: clinical testing. Allele origin: germline. Affected: yes. Observed: 1 variant allele.
Comment: The p.Q595 pathogenic variant, located in coding exon 14 of the DSP gene, results from a C to T substitution at nucleotide position 595 which creates a stop codon. Null variants in the DSP gene cause loss of function which is a known mechanism of arrhythmogenic cardiomyopathy. This variant is not found in gnomAD exomes or genomes. Pathogenic computational verdict based on 5 pathogenic predictions from BayesDel_addAF, DANN, EIGEN, FATHMM-MKL and MutationTaster vs no benign predictions. In summary, this variant meets criteria to be classified as pathogenic. PVS1, PM2, PP3, PP5

Cytogénomique, Hospices Civils de Lyon
Classification: Pathogenic for Global developmental delay. Last evaluated: 2019-11-01. Review status: criteria provided, single submitter. Criteria: ACMG Guidelines, 2015. Collection method: clinical testing. Allele origin: de novo. Affected: yes.

Literature cited by the submitters: PubMed 28527814 (cited by Departamento de Patología, Instituto de Genética, Universidad Nacional de Colombia); PubMed 31028357 (cited by Departamento de Patología, Instituto de Genética, Universidad Nacional de Colombia).

NM_004415.4(DSP):c.1783C>T (p.Gln595Ter)

Gene: DSP (desmoplakin; plus strand). Cytogenetic location: 6p24.3.
Variant type: single nucleotide variant.
Coding change: c.1783C>T on transcript NM_004415.4 (MANE Select); coding-DNA position 1783, C replaced by T.
Protein change: p.Gln595Ter; replaces glutamine 595 with a stop codon.
Molecular consequence: nonsense.
Genome position (GRCh38, 1-based): chr6:7,571,464, C>T. VCF-style: chr6-7571464-C-T. GRCh37 (hg19) VCF-style: chr6-7571697-C-T.
Other names: c.1783C>T, p.Gln595Ter (NM_001008844.3, NM_001319034.2); short protein forms Q595*.
Identifiers: ClinVar variation 977635 (VCV000977635.4), dbSNP rs2533894086, ClinGen allele CA362679101.